The following is an entry in ClinVar:

NM_001367873.1(SOX6):c.2433del (p.Lys812fs)

Gene: SOX6 (SRY-box transcription factor 6; minus strand). Cytogenetic location: 11p15.2.
Variant type: Deletion.
Coding change: c.2433del on transcript NM_001367873.1 (MANE Select); coding-DNA position 2433, one base deleted (C; older notation c.2433delC).
Protein change: p.Lys812fs; shifts the reading frame from lysine 812.
Molecular consequence: frameshift variant.
Genome position (GRCh38, 1-based): chr11:15,972,863, G deleted on the plus strand (C on the coding strand, the reverse complement: SOX6 is on the minus strand); the first of 4 consecutive G bases (chr11:15,972,863-15,972,866); deleting any one gives the same sequence. VCF-style (leftmost placement, unchanged base first): chr11-15972862-TG-T. GRCh37 (hg19) VCF-style: chr11-15994408-TG-T.
Other names: c.2352del, p.Lys785fs (NM_001145811.2, NM_017508.3); c.2433del, p.Lys812fs (NM_001145819.2); c.2310del, p.Lys771fs (NM_001367872.1); c.2373del, p.Lys792fs (NM_033326.3); short protein forms K771fs, K785fs, K792fs, K812fs.
Identifiers: ClinVar variation 3359744 (VCV003359744.1).

ClinVar aggregate classification (germline): Uncertain significance (1 of 4 stars; one submission).

Submission:

GeneDx
Classification: Uncertain significance. Last evaluated: 2023-06-09. Review status: criteria provided, single submitter. Criteria: GeneDx Variant Classification Process June 2021. Collection method: clinical testing. Allele origin: germline. Affected: yes.
Comment: Frameshift variant predicted to result in altered protein length as the last 17 amino acids are replaced with 39 different amino acids, although loss-of-function variants have not been reported downstream of this position in the protein; Not observed at significant frequency in large population cohorts (gnomAD); Has not been previously published as pathogenic or benign to our knowledge